The following is an entry in ClinVar:

ClinVar aggregate classification (germline): Pathogenic. Review status: criteria provided, multiple submitters, no conflicts (2 of 4 stars). 4 submissions from 4 submitters: Pathogenic (4). Last evaluated 2026-08-18.

Conditions:
Familial isolated arrhythmogenic right ventricular dysplasia. Identifiers: Orphanet 217656, MedGen C4274968, MONDO:0016342.
Arrhythmogenic right ventricular dysplasia 9 (ARVD9). Also called: Arrhythmogenic Right Ventricular Dysplasia/Cardiomyopathy 9; ARRHYTHMOGENIC RIGHT VENTRICULAR DYSPLASIA, FAMILIAL, 9. Identifiers: MedGen C1836906, MONDO:0012180, OMIM 609040.
Cardiovascular phenotype. Identifiers: MedGen CN230736.

Allele frequency attached by ClinVar (database versions not stated): gnomAD exomes below 0.00001.

Submissions (4):

Ambry Genetics
Classification: Pathogenic for Cardiovascular phenotype. Last evaluated: 2026-08-18. Review status: criteria provided, single submitter. Criteria: Ambry Variant Classification Scheme 2023. Collection method: clinical testing. Allele origin: germline.
Comment: The c.987delT pathogenic mutation, located in coding exon 3 of the PKP2 gene, results from a deletion of one nucleotide at nucleotide position 987, causing a translational frameshift with a predicted alternate stop codon (p.S329Rfs*23). This variant was identified in one or more individuals with features consistent with arrhythmogenic right ventricular cardiomyopathy and segregated with disease in at least one family (Fressart V et al. Europace, 2010 Jun;12:861-8; Hermida A et al. Eur J Heart Fail, 2019 Jun;21:792-800; Svensson A et al. Cardiology, 2021 Sep;146:763-771; Ambry internal data). This alteration is expected to result in loss of function by premature protein truncation or nonsense-mediated mRNA decay. As such, this alteration is interpreted as a disease-causing mutation.

Labcorp Genetics (formerly Invitae), Labcorp
Classification: Pathogenic for Arrhythmogenic right ventricular dysplasia 9. Last evaluated: 2024-11-09. Review status: criteria provided, single submitter. Criteria: Invitae Variant Classification Sherloc (09022015). Collection method: clinical testing. Allele origin: germline.
Comment: This sequence change creates a premature translational stop signal (p.Ser329Argfs*23) in the PKP2 gene. It is expected to result in an absent or disrupted protein product. Loss-of-function variants in PKP2 are known to be pathogenic (PMID: 15489853, 17041889, 23911551). This variant is present in population databases (no rsID available, gnomAD 0.003%). This premature translational stop signal has been observed in individual(s) with arrythmogenic right ventricular cardiomyopathy (PMID: 20400443). ClinVar contains an entry for this variant (Variation ID: 935796). For these reasons, this variant has been classified as Pathogenic.

GeneDx
Classification: Pathogenic. Last evaluated: 2024-08-27. Review status: criteria provided, single submitter. Criteria: GeneDx Variant Classification Process June 2021. Collection method: clinical testing. Allele origin: germline. Affected: yes.
Comment: Frameshift variant predicted to result in protein truncation or nonsense mediated decay in a gene for which loss of function is a known mechanism of disease; Not observed at significant frequency in large population cohorts (gnomAD); This variant is associated with the following publications: (PMID: 20400443, 31402444, 35838873, 35819174, 30790397)

Women's Health and Genetics/Laboratory Corporation of America, LabCorp
Classification: Pathogenic for Familial isolated arrhythmogenic right ventricular dysplasia. Last evaluated: 2023-09-11. Review status: criteria provided, single submitter. Criteria: LabCorp Variant Classification Summary - May 2015. Collection method: clinical testing. Allele origin: germline.
Comment: Variant summary: PKP2 c.987delT (p.Ser329ArgfsX23) results in a premature termination codon, predicted to cause a truncation of the encoded protein or absence of the protein due to nonsense mediated decay, which are commonly known mechanisms for disease. Variants downstream of this position have been classified as pathogenic by our laboratory. The variant allele was found at a frequency of 4e-06 in 249918 control chromosomes (gnomAD). c.987delT has been reported in the literature in individuals affected with Arrhythmogenic Right Ventricular Dysplasia/Cardiomyopathy (examples: Fressar_2010, Goudal_2022). These data indicate that the variant is likely to be associated with disease. The following publications have been ascertained in the context of this evaluation (PMID: 35819174, 20400443). One submitter has cited clinical-significance assessments for this variant to ClinVar after 2014 and has classified the variant as pathogenic. Based on the evidence outlined above, the variant was classified as pathogenic.

Literature cited by the submitters: PubMed 20400443 (cited by 3 submitters); PubMed 30790397 (cited by Ambry Genetics); PubMed 34469894 (cited by Ambry Genetics); PubMed 15489853 (cited by Labcorp Genetics (formerly Invitae), Labcorp); PubMed 17041889 (cited by Labcorp Genetics (formerly Invitae), Labcorp); PubMed 23911551 (cited by Labcorp Genetics (formerly Invitae), Labcorp); PubMed 35819174 (cited by Women's Health and Genetics/Laboratory Corporation of America, LabCorp).

NM_001005242.3(PKP2):c.987del (p.Ser329fs)

Gene: PKP2 (plakophilin 2; minus strand). Cytogenetic location: 12p11.21.
Variant type: Deletion.
Coding change: c.987del on transcript NM_001005242.3 (MANE Select); coding-DNA position 987, one base deleted (T; older notation c.987delT).
Protein change: p.Ser329fs; shifts the reading frame from serine 329.
Molecular consequence: frameshift variant.
Genome position (GRCh38, 1-based): chr12:32,877,893, A deleted on the plus strand (T on the coding strand, the reverse complement: PKP2 is on the minus strand). VCF-style (leftmost placement, unchanged base first): chr12-32877892-CA-C. GRCh37 (hg19) VCF-style: chr12-33030826-CA-C.
Other names: c.987delT (NM_004572.3); c.987del, p.Ser329fs (NM_004572.4); short protein forms S329fs.
Identifiers: ClinVar variation 935796 (VCV000935796.12), dbSNP rs1432861552, ClinGen allele CA604480634.